The following is an entry in ClinVar:

NM_000528.4(MAN2B1):c.522del (p.Leu176fs)

Gene: MAN2B1 (mannosidase alpha class 2B member 1; minus strand). Cytogenetic location: 19p13.13.
Variant type: Deletion.
Coding change: c.522del on transcript NM_000528.4 (MANE Select); coding-DNA position 522, one base deleted (T; older notation c.522delT).
Protein change: p.Leu176fs; shifts the reading frame from leucine 176.
Molecular consequence: frameshift variant.
Genome position (GRCh38, 1-based): chr19:12,664,900, A deleted on the plus strand (T on the coding strand, the reverse complement: MAN2B1 is on the minus strand); the first of 2 consecutive A bases (chr19:12,664,900-12,664,901); deleting either gives the same sequence. VCF-style (leftmost placement, unchanged base first): chr19-12664899-CA-C. GRCh37 (hg19) VCF-style: chr19-12775713-CA-C.
Other names: c.522del, p.Leu176fs (NM_001173498.2); short protein forms L176fs.
Identifiers: ClinVar variation 2073650 (VCV002073650.4), dbSNP rs2512514781, ClinGen allele CA2580096471.

ClinVar aggregate classification (germline): Pathogenic (1 of 4 stars; one submission).

Conditions:
Deficiency of alpha-mannosidase (MANSA). Also called: Mannosidosis, alpha-, types I and II; LYSOSOMAL ALPHA-D-MANNOSIDASE DEFICIENCY; Alpha-Mannosidosis. Identifiers: Orphanet 61, MedGen C0024748, MONDO:0009561, OMIM 248500.

Submission:

Labcorp Genetics (formerly Invitae), Labcorp
Classification: Pathogenic for Deficiency of alpha-mannosidase. Last evaluated: 2022-03-04. Review status: criteria provided, single submitter. Criteria: Invitae Variant Classification Sherloc (09022015). Collection method: clinical testing. Allele origin: germline.
Comment: This sequence change creates a premature translational stop signal (p.Leu176Cysfs*70) in the MAN2B1 gene. It is expected to result in an absent or disrupted protein product. Loss-of-function variants in MAN2B1 are known to be pathogenic (PMID: 9915946, 22161967). This variant is not present in population databases (gnomAD no frequency). This variant has not been reported in the literature in individuals affected with MAN2B1-related conditions. For these reasons, this variant has been classified as Pathogenic.

Literature cited by the submitters: PubMed 9915946; PubMed 22161967.